The following is an entry in ClinVar:

NM_032119.4(ADGRV1):c.12666+1G>T

Gene: ADGRV1 (adhesion G protein-coupled receptor V1; plus strand). Cytogenetic location: 5q14.3.
Variant type: single nucleotide variant.
Coding change: c.12666+1G>T on transcript NM_032119.4 (MANE Select); the canonical splice donor site of the intron after coding-DNA position 12666, G replaced by T.
Molecular consequence: splice donor variant.
Genome position (GRCh38, 1-based): chr5:90,778,044, G>T. VCF-style: chr5-90778044-G-T. GRCh37 (hg19) VCF-style: chr5-90073861-G-T.
Identifiers: ClinVar variation 4731411 (VCV004731411.1).

ClinVar aggregate classification (germline): Likely pathogenic (1 of 4 stars; one submission).

Submission:

Labcorp Genetics (formerly Invitae), Labcorp
Classification: Likely pathogenic. Last evaluated: 2025-11-18. Review status: criteria provided, single submitter. Criteria: Invitae Variant Classification Sherloc (09022015). Collection method: clinical testing. Allele origin: germline.
Comment: This sequence change affects a donor splice site in intron 62 of the ADGRV1 gene. It is expected to disrupt RNA splicing. Variants that disrupt the donor or acceptor splice site typically lead to a loss of protein function (PMID: 16199547), and loss-of-function variants in ADGRV1 are known to be pathogenic (PMID: 19357117, 22135276, 22147658, 26226137, 30718709, 31047384, 32467589). This variant is not present in population databases (gnomAD no frequency). This variant has not been reported in the literature in individuals affected with ADGRV1-related conditions. Algorithms developed to predict the effect of sequence changes on RNA splicing suggest that this variant may disrupt the consensus splice site. In summary, the currently available evidence indicates that the variant is pathogenic, but additional data are needed to prove that conclusively. Therefore, this variant has been classified as Likely Pathogenic.

Literature cited by the submitters: PubMed 16199547; PubMed 19357117; PubMed 22135276; PubMed 22147658; PubMed 26226137; PubMed 30718709; PubMed 31047384; PubMed 32467589.